The following is an entry in ClinVar:

NM_000548.5(TSC2):c.5017_5068+19dup

Gene: TSC2 (TSC complex subunit 2; plus strand). Cytogenetic location: 16p13.3.
Variant type: Duplication.
Coding change: c.5017_5068+19dup on transcript NM_000548.5 (MANE Select); coding-DNA position 5017 through 19 bases into the intron after coding-DNA position 5068, 71 bases duplicated.
Molecular consequence: splice donor variant.
Genome position (GRCh38, 1-based): chr16:2,087,890-2,087,960, 71 bases duplicated. GRCh37 (hg19): chr16:2,137,891-2,137,961.
Other names: c.4948_4999+19dup (NM_001114382.3); c.4888_4939+19dup (NM_021055.3, NM_001370405.1); c.4819_4870+19dup (NM_001363528.2); c.4885_4936+19dup (NM_001370404.1); c.4816_4867+19dup (NM_001077183.3); c.4708_4759+19dup (NM_001318827.2); c.4285_4336+19dup (NM_001318831.2); c.4672_4723+19dup (NM_001318829.2); and 1 more.
Identifiers: ClinVar variation 1053484 (VCV001053484.9), dbSNP rs2151612248, ClinGen allele CA2499223350.

ClinVar aggregate classification (germline): Uncertain significance (1 of 4 stars; one submission).

Conditions:
Tuberous sclerosis 2 (TSC2). Identifiers: Orphanet 805, MedGen C1860707, MONDO:0013199, OMIM 613254.

Submission:

Labcorp Genetics (formerly Invitae), Labcorp
Classification: Uncertain significance for Tuberous sclerosis 2. Last evaluated: 2021-07-25. Review status: criteria provided, single submitter. Criteria: Invitae Variant Classification Sherloc (09022015). Collection method: clinical testing. Allele origin: germline.
Comment: This variant has not been reported in the literature in individuals with TSC2-related conditions. In summary, the available evidence is currently insufficient to determine the role of this variant in disease. Therefore, it has been classified as a Variant of Uncertain Significance. Algorithms developed to predict the effect of sequence changes on RNA splicing suggest that this variant may disrupt the consensus splice site, but this prediction has not been confirmed by published transcriptional studies. This variant is not present in population databases (ExAC no frequency). This sequence change falls in intron 39 of the TSC2 gene. It does not directly change the encoded amino acid sequence of the TSC2 protein.